The following is an entry in ClinVar:

NM_004998.4(MYO1E):c.20A>G (p.Tyr7Cys)

Gene: MYO1E (myosin IE; minus strand). Cytogenetic location: 15q22.2.
Variant type: single nucleotide variant.
Coding change: c.20A>G on transcript NM_004998.4 (MANE Select); coding-DNA position 20, A replaced by G.
Protein change: p.Tyr7Cys; replaces tyrosine 7 with cysteine.
Molecular consequence: missense variant.
Genome position (GRCh38, 1-based): chr15:59,272,433, T>C on the plus strand (A>G on the coding strand, the complement: MYO1E is on the minus strand). VCF-style: chr15-59272433-T-C. GRCh37 (hg19) VCF-style: chr15-59564632-T-C.
Other names: c.20A>G (NM_004998.2); short protein forms Y7C.
Identifiers: ClinVar variation 1355347 (VCV001355347.12), dbSNP rs765316403, ClinGen allele CA7590478.
Genomic context (GRCh38, chr15:59,272,433, plus strand): 5'-AGTAGCACCATGTCGTCCACACCACTGTGCTTGACATTGTGGCTTTGCCAGTGGTACTGG[T>C]AGACACCTTTGCTTCCCTGGGAACATAAAACATACAATTACTAGGATAGTTTGTTTTCCC-3'
Protein context (NP_004989.2, residues 1-17): MGSKGV[Tyr7Cys]QYHWQSHNVK

ClinVar aggregate classification (germline): Uncertain significance. Review status: criteria provided, multiple submitters, no conflicts (2 of 4 stars). 4 submissions from 4 submitters: Uncertain significance (4). Last evaluated 2025-09-15.

Conditions:
Focal segmental glomerulosclerosis 6 (FSGS6). Identifiers: Orphanet 656, MedGen C3279905, MONDO:0013589, OMIM 614131.
Inborn genetic diseases. Identifiers: MedGen C0950123, MeSH D030342.

Allele frequency attached by ClinVar (database versions not stated): ExAC 0.00001; gnomAD 0.00001 and 0.00002; gnomAD exomes 0.00001; TOPMed 0.00003.
gnomAD v4.1: 21 of 1,614,094 alleles (0.0013%); highest among the groups gnomAD compares: Middle Eastern, 0.033%; 1 homozygote.

Submissions (4):

Labcorp Genetics (formerly Invitae), Labcorp
Classification: Uncertain significance. Last evaluated: 2025-09-15. Review status: criteria provided, single submitter. Criteria: Invitae Variant Classification Sherloc (09022015). Collection method: clinical testing. Allele origin: germline.
Comment: This sequence change replaces tyrosine, which is neutral and polar, with cysteine, which is neutral and slightly polar, at codon 7 of the MYO1E protein (p.Tyr7Cys). This variant is present in population databases (rs765316403, gnomAD 0.002%), including at least one homozygous and/or hemizygous individual. This variant has not been reported in the literature in individuals affected with MYO1E-related conditions. ClinVar contains an entry for this variant (Variation ID: 1355347). An algorithm developed to predict the effect of missense changes on protein structure and function (PolyPhen-2) suggests that this variant is likely to be disruptive. In summary, the available evidence is currently insufficient to determine the role of this variant in disease. Therefore, it has been classified as a Variant of Uncertain Significance.

Ambry Genetics
Classification: Uncertain significance for Inborn genetic diseases. Last evaluated: 2024-09-30. Review status: criteria provided, single submitter. Criteria: Ambry Variant Classification Scheme 2023. Collection method: clinical testing. Allele origin: germline.

Blueprint Genetics
Classification: Uncertain significance. Last evaluated: 2024-09-02. Review status: criteria provided, single submitter. Criteria: ACMG Guidelines, 2015. Collection method: clinical testing. Allele origin: germline.

Fulgent Genetics
Classification: Uncertain significance for Focal segmental glomerulosclerosis 6. Last evaluated: 2024-04-17. Review status: criteria provided, single submitter. Criteria: ACMG Guidelines, 2015. Collection method: clinical testing. Allele origin: germline.